The following is an entry in ClinVar:

ClinVar aggregate classification (germline): Uncertain significance (0 of 4 stars; one submission).

Conditions:
RAD51D-related disorder. Also called: RAD51D-related condition.

Submission:

PreventionGenetics, part of Exact Sciences
Classification: Uncertain significance for RAD51D-related condition. Last evaluated: 2024-05-24. Review status: no assertion criteria provided. Collection method: clinical testing. Allele origin: germline.
Comment: The RAD51D c.248delG variant is predicted to result in a frameshift and premature protein termination (p.Gly83Aspfs*12). Using an alternate transcript (NM_002878.3) this variant is located within an intron, c.263+1567delG, and does not impact splicing based on available splicing prediction programs (SpliceAI, Jaganathan et al. 2019. PubMed ID: 30661751). To our knowledge, this variant has not been reported in the literature or in a large population database, indicating this variant is rare, nor is it present in Clinvar. Of note, this variant resides in an exon that is spliced out of the transcript with the highest tissue expression (ENST0000033858.7) and loss of function variants in this exon have not conclusively been associated with disease. At this time, the clinical significance of this variant is uncertain due to the absence of conclusive functional and genetic evidence.

NM_002878.4(RAD51D):c.263+1567del

Genes: RAD51D (RAD51 paralog D; minus strand), RAD51L3-RFFL (RAD51L3-RFFL readthrough; minus strand). Cytogenetic location: 17q12.
Variant type: Deletion.
Coding change: c.263+1567del on transcript NM_002878.4 (MANE Select); 1567 bases into the intron after coding-DNA position 263, one base deleted (G; older notation c.263+1567delG).
Molecular consequence: intron variant. On other transcripts: frameshift variant (1).
Genome position (GRCh38, 1-based): chr17:35,116,934, C deleted on the plus strand (G on the coding strand, the reverse complement: RAD51D is on the minus strand); the first of 2 consecutive C bases (chr17:35,116,934-35,116,935); deleting either gives the same sequence. VCF-style (leftmost placement, unchanged base first): chr17-35116933-TC-T. GRCh37 (hg19) VCF-style: chr17-33443952-TC-T.
Other names: c.248del, p.Gly83fs (NM_001142571.2); c.144+2177del (NM_133629.3); short protein forms G83fs.
Identifiers: ClinVar variation 3354924 (VCV003354924.1).